The following is an entry in ClinVar:

ClinVar aggregate classification (germline): Uncertain significance (1 of 4 stars; one submission).

Conditions:
Progressive familial heart block type IB (PFHB1B). Identifiers: Orphanet 871, MedGen C1970298, MONDO:0011474, OMIM 604559.

Submission:

Labcorp Genetics (formerly Invitae), Labcorp
Classification: Uncertain significance for Progressive familial heart block type IB. Last evaluated: 2024-01-23. Review status: criteria provided, single submitter. Criteria: Invitae Variant Classification Sherloc (09022015). Collection method: clinical testing. Allele origin: germline.
Comment: This sequence change replaces glutamic acid, which is acidic and polar, with lysine, which is basic and polar, at codon 218 of the TRPM4 protein (p.Glu218Lys). This variant is not present in population databases (gnomAD no frequency). This variant has not been reported in the literature in individuals affected with TRPM4-related conditions. Algorithms developed to predict the effect of missense changes on protein structure and function output the following: SIFT: "Not Available"; PolyPhen-2: "Benign"; Align-GVGD: "Not Available". The lysine amino acid residue is found in multiple mammalian species, which suggests that this missense change does not adversely affect protein function. In summary, the available evidence is currently insufficient to determine the role of this variant in disease. Therefore, it has been classified as a Variant of Uncertain Significance.

NM_017636.4(TRPM4):c.652G>A (p.Glu218Lys)

Gene: TRPM4 (transient receptor potential cation channel subfamily M member 4; plus strand). Cytogenetic location: 19q13.33.
Variant type: single nucleotide variant.
Coding change: c.652G>A on transcript NM_017636.4 (MANE Select); coding-DNA position 652, G replaced by A.
Protein change: p.Glu218Lys; replaces glutamic acid 218 with lysine.
Molecular consequence: missense variant. On other transcripts: 5 prime UTR variant (2).
Genome position (GRCh38, 1-based): chr19:49,168,592, G>A. VCF-style: chr19-49168592-G-A. GRCh37 (hg19) VCF-style: chr19-49671849-G-A.
Other names: c.652G>A, p.Glu218Lys (NM_001195227.2); c.307G>A, p.Glu103Lys (NM_001321281.2); c.-902G>A (NM_001321282.2); c.130G>A, p.Glu44Lys (NM_001321283.2); c.-198G>A (NM_001321285.2); short protein forms E44K, E103K, E218K.
Identifiers: ClinVar variation 2726527 (VCV002726527.3), dbSNP rs747502300, ClinGen allele CA406792338.